The following is an entry in ClinVar:

ClinVar aggregate classification (germline): Uncertain significance (1 of 4 stars; one submission).

Conditions:
Inborn genetic diseases. Identifiers: MedGen C0950123, MeSH D030342.

Submission:

Ambry Genetics
Classification: Uncertain significance for Inborn genetic diseases. Last evaluated: 2026-05-24. Review status: criteria provided, single submitter. Criteria: Ambry Variant Classification Scheme 2023. Collection method: clinical testing. Allele origin: germline.
Comment: The p.A105V variant (also known as c.314C>T), located in coding exon 2 of the ERCC6L2 gene, results from a C to T substitution at nucleotide position 314. The alanine at codon 105 is replaced by valine, an amino acid with similar properties. This amino acid position is conserved. In addition, the in silico prediction for this alteration is inconclusive. Based on the available evidence, the clinical significance of this variant remains unclear.

NM_020207.7(ERCC6L2):c.314C>T (p.Ala105Val)

Gene: ERCC6L2 (ERCC excision repair 6 like 2; plus strand). Cytogenetic location: 9q22.32.
Variant type: single nucleotide variant.
Coding change: c.314C>T on transcript NM_020207.7 (MANE Select); coding-DNA position 314, C replaced by T.
Protein change: p.Ala105Val; replaces alanine 105 with valine.
Molecular consequence: missense variant. On other transcripts: non-coding transcript variant (1).
Genome position (GRCh38, 1-based): chr9:95,881,136, C>T. VCF-style: chr9-95881136-C-T. GRCh37 (hg19) VCF-style: chr9-98643418-C-T.
Other names: c.314C>T, p.Ala105Val (NM_001010895.4, NM_001375291.1, NM_001375292.1 and 2 more transcripts); short protein forms A105V.
Identifiers: ClinVar variation 4870620 (VCV004870620.1).
Genomic context (GRCh38, chr9:95,881,136, plus strand): 5'-ATGATGAAGATTTAGAAAAACCTTATTTCCCAAACCGAAAATTTCCATCATCTTCTGTTG[C>T]TTTTAAATTATCTGACAATGGAGACTCTATTCCTTATACCATCAATAGGTATTTGAGAGA-3'
Protein context (NP_064592.3, residues 95-115): PNRKFPSSSV[Ala105Val]FKLSDNGDSI